The following is an entry in ClinVar:

ClinVar aggregate classification (germline): Uncertain significance (1 of 4 stars; one submission).

Allele frequency attached by ClinVar (database versions not stated): gnomAD exomes below 0.00001.
gnomAD v4.1: 4 of 1,613,998 alleles (0.00025%); highest among the groups gnomAD compares: East Asian, 0.0045%; no homozygotes.

Submission:

Labcorp Genetics (formerly Invitae), Labcorp
Classification: Uncertain significance. Last evaluated: 2025-01-06. Review status: criteria provided, single submitter. Criteria: Invitae Variant Classification Sherloc (09022015). Collection method: clinical testing. Allele origin: germline.
Comment: This sequence change replaces alanine, which is neutral and non-polar, with glycine, which is neutral and non-polar, at codon 1354 of the KAT6A protein (p.Ala1354Gly). This variant is not present in population databases (gnomAD no frequency). This variant has not been reported in the literature in individuals affected with KAT6A-related conditions. ClinVar contains an entry for this variant (Variation ID: 2961347). Invitae Evidence Modeling of protein sequence and biophysical properties (such as structural, functional, and spatial information, amino acid conservation, physicochemical variation, residue mobility, and thermodynamic stability) indicates that this missense variant is not expected to disrupt KAT6A protein function with a negative predictive value of 95%. In summary, the available evidence is currently insufficient to determine the role of this variant in disease. Therefore, it has been classified as a Variant of Uncertain Significance.

NM_006766.5(KAT6A):c.4061C>G (p.Ala1354Gly)

Gene: KAT6A (lysine acetyltransferase 6A; minus strand). Cytogenetic location: 8p11.21.
Variant type: single nucleotide variant.
Coding change: c.4061C>G on transcript NM_006766.5 (MANE Select); coding-DNA position 4061, C replaced by G.
Protein change: p.Ala1354Gly; replaces alanine 1354 with glycine.
Molecular consequence: missense variant.
Genome position (GRCh38, 1-based): chr8:41,934,159, G>C on the plus strand (C>G on the coding strand, the complement: KAT6A is on the minus strand). VCF-style: chr8-41934159-G-C. GRCh37 (hg19) VCF-style: chr8-41791677-G-C.
Other names: short protein forms A1354G.
Identifiers: ClinVar variation 2961347 (VCV002961347.3), dbSNP rs1821722655, ClinGen allele CA371067123.
Genomic context (GRCh38, chr8:41,934,159, plus strand): 5'-TCGGAATCCAGCTCGGTTTCCTCTTTATCCTTTATCTTTTCCCTACTCTTCTGCATATTA[G>C]CATCTAAAAAAGACTCTTGAACACCAGGCTCCTCCTTGACATCTTCCCTCGTGGGCTGTT-3'
Protein context (NP_006757.2, residues 1344-1364): EPGVQESFLD[Ala1354Gly]NMQKSREKIK